The following is an entry in ClinVar:

ClinVar aggregate classification (germline): Uncertain significance (1 of 4 stars; one submission).

Conditions:
Infantile-onset X-linked spinal muscular atrophy. Also called: Spinal Muscular Atrophy, X-Linked Infantile; SPINAL MUSCULAR ATROPHY, X-LINKED LETHAL INFANTILE; AMC, DISTAL, X-LINKED; ARTHROGRYPOSIS, X-LINKED, TYPE I; Spinal muscular atrophy, X-linked 2. Identifiers: Orphanet 1145, MedGen C1844934, MONDO:0010532, OMIM 301830.

Allele frequency attached by ClinVar (database versions not stated): gnomAD 0.00001; gnomAD exomes 0.00002; TOPMed 0.00002.
gnomAD v4.1: 20 of 1,209,322 alleles (0.0017%); highest among the groups gnomAD compares: Admixed American, 0.0066%; no homozygotes.

Submission:

Labcorp Genetics (formerly Invitae), Labcorp
Classification: Uncertain significance for Infantile-onset X-linked spinal muscular atrophy. Last evaluated: 2024-04-06. Review status: criteria provided, single submitter. Criteria: Invitae Variant Classification Sherloc (09022015). Collection method: clinical testing. Allele origin: germline.
Comment: This sequence change replaces isoleucine, which is neutral and non-polar, with valine, which is neutral and non-polar, at codon 862 of the UBA1 protein (p.Ile862Val). This variant is present in population databases (no rsID available, gnomAD 0.01%), including at least one homozygous and/or hemizygous individual. This variant has not been reported in the literature in individuals affected with UBA1-related conditions. ClinVar contains an entry for this variant (Variation ID: 656993). An algorithm developed to predict the effect of missense changes on protein structure and function (PolyPhen-2) suggests that this variant is likely to be disruptive. In summary, the available evidence is currently insufficient to determine the role of this variant in disease. Therefore, it has been classified as a Variant of Uncertain Significance.

NM_003334.4(UBA1):c.2584A>G (p.Ile862Val)

Gene: UBA1 (ubiquitin like modifier activating enzyme 1; plus strand). Cytogenetic location: Xp11.3.
Variant type: single nucleotide variant.
Coding change: c.2584A>G on transcript NM_003334.4 (MANE Select); coding-DNA position 2584, A replaced by G.
Protein change: p.Ile862Val; replaces isoleucine 862 with valine.
Molecular consequence: missense variant.
Genome position (GRCh38, 1-based): chrX:47,212,801, A>G. VCF-style: chrX-47212801-A-G. GRCh37 (hg19) VCF-style: chrX-47072200-A-G.
Other names: c.2584A>G, p.Ile862Val (NM_153280.3); short protein forms I862V.
Identifiers: ClinVar variation 656993 (VCV000656993.5), dbSNP rs1351999233, ClinGen allele CA412809862.